The following is an entry in ClinVar:

ClinVar aggregate classification (germline): Uncertain significance. Review status: criteria provided, multiple submitters, no conflicts (2 of 4 stars). 2 submissions from 2 submitters: Uncertain significance (2). Last evaluated 2026-03-03.

Conditions:
Nemaline myopathy 2 (NEM2). Also called: Nemaline myopathy 2, autosomal recessive. Identifiers: MedGen C1850569, MONDO:0009725, OMIM 256030.
Inborn genetic diseases. Identifiers: MedGen C0950123, MeSH D030342.

Allele frequency attached by ClinVar (database versions not stated): TOPMed below 0.00001; gnomAD 0.00001.
gnomAD v4.1: 15 of 1,612,416 alleles (0.00093%); highest among the groups gnomAD compares: African/African-American, 0.0013%; no homozygotes.

Submissions (2):

Ambry Genetics
Classification: Uncertain significance for Inborn genetic diseases. Last evaluated: 2026-03-03. Review status: criteria provided, single submitter. Criteria: Ambry Variant Classification Scheme 2023. Collection method: clinical testing. Allele origin: germline.

Labcorp Genetics (formerly Invitae), Labcorp
Classification: Uncertain significance for Nemaline myopathy 2. Last evaluated: 2021-08-31. Review status: criteria provided, single submitter. Criteria: Invitae Variant Classification Sherloc (09022015). Collection method: clinical testing. Allele origin: germline.
Comment: This sequence change replaces glutamine with lysine at codon 7312 of the NEB protein (p.Gln7312Lys). The glutamine residue is moderately conserved and there is a small physicochemical difference between glutamine and lysine. This variant is not present in population databases (ExAC no frequency). This variant has not been reported in the literature in individuals affected with NEB-related conditions. Algorithms developed to predict the effect of missense changes on protein structure and function are either unavailable or do not agree on the potential impact of this missense change (SIFT: "Deleterious"; PolyPhen-2: "Not Available"; Align-GVGD: "Class C0"). In summary, the available evidence is currently insufficient to determine the role of this variant in disease. Therefore, it has been classified as a Variant of Uncertain Significance.

NM_001164508.2(NEB):c.21829C>A (p.Gln7277Lys)

Genes: NEB (nebulin; minus strand), RIF1 (replication timing regulatory factor 1; plus strand). Cytogenetic location: 2q23.3.
Variant type: single nucleotide variant.
Coding change: c.21829C>A on transcript NM_001164508.2 (MANE Select); coding-DNA position 21829, C replaced by A.
Protein change: p.Gln7277Lys; replaces glutamine 7277 with lysine.
Molecular consequence: missense variant.
Genome position (GRCh38, 1-based): chr2:151,527,492, G>T on the plus strand (C>A on the coding strand, the complement: NEB is on the minus strand). VCF-style: chr2-151527492-G-T. GRCh37 (hg19) VCF-style: chr2-152384006-G-T.
Other names: c.21829C>A, p.Gln7277Lys (NM_001164507.2); c.21934C>A, p.Gln7312Lys (NM_001271208.2); c.16726C>A, p.Gln5576Lys (NM_004543.5); c.16726C>A (NM_004543.4); short protein forms Q5576K, Q7277K, Q7312K.
Identifiers: ClinVar variation 1396693 (VCV001396693.6), dbSNP rs887471790, ClinGen allele CA57627595.